The following is an entry in ClinVar:

NM_001372044.2(SHANK3):c.4108GAG[1] (p.Glu1371del)

Gene: SHANK3 (SH3 and multiple ankyrin repeat domains 3; plus strand). Cytogenetic location: 22q13.33.
Variant type: Microsatellite.
Coding change: c.4108GAG[1] on transcript NM_001372044.2 (MANE Select); one copy of the 3-base unit GAG starting at c.4108; the reference has two copies in a row; one copy, 3 bases deleted.
Protein change: p.Glu1371del; deletes glutamic acid 1371.
Molecular consequence: inframe deletion.
Genome position (GRCh38, 1-based): chr22:50,721,719-50,721,721, GAG deleted; deleting any 3 consecutive bases within chr22:50,721,716-50,721,721 gives the same sequence; the position shown is the placement nearest the transcript's 3' end. VCF-style (leftmost placement, unchanged base first): chr22-50721715-TGAG-T. GRCh37 (hg19) VCF-style: chr22-51160143-TGAG-T.
Other names: c.3886_3888del (NM_033517.1); c.3886_3888delGAG (NM_033517.1); short protein forms E1371del.
Identifiers: ClinVar variation 988742 (VCV000988742.3), dbSNP rs1462066038, ClinGen allele CA640359040.
Genomic context (GRCh38, chr22:50,721,715, plus strand): 5'-GGAAGAGCCAGAGCTGGTGTTTGCTGTGAACCTGCCACCTGCCCAGCTGTCGTCCAGCGA[TGAG>T]GAGACCAGGGAGGAGCTGGCCCGAATTGGGTTGGTGCCACCCCCTGAAGAGTTTGCCAAC-3'

ClinVar aggregate classification (germline): Uncertain significance. Review status: criteria provided, single submitter (1 of 4 stars). 2 submissions from 2 submitters: Uncertain significance (1). 1 of the submissions does not count toward it. Last evaluated 2022-06-27.

Conditions:
Schizophrenia 15 (SCZD15). Also called: SCHIZOPHRENIA SUSCEPTIBILITY LOCUS, CHROMOSOME 22q13-RELATED. Identifiers: MedGen C3151380, MONDO:0013498, OMIM 613950.
Phelan-McDermid syndrome. Also called: Phelan-McDermid Syndrome-SHANK3 Related; TELOMERIC 22q13 MONOSOMY SYNDROME; 22q13.3 deletion syndrome. Identifiers: Orphanet 48652, MedGen C1853490, MONDO:0011652, OMIM 606232.

Submissions (2):

GeneDx
Classification: Uncertain significance. Last evaluated: 2022-06-27. Review status: criteria provided, single submitter. Criteria: GeneDx Variant Classification Process June 2021. Collection method: clinical testing. Allele origin: germline. Affected: yes.
Comment: Has not been previously published as pathogenic or benign to our knowledge; In-frame deletion of 1 amino acid in a non-repeat region; In silico analysis supports a deleterious effect on protein structure/function

Service de Génétique Moléculaire, Hôpital Robert Debré
Classification: Uncertain significance for Schizophrenia 15; Phelan-McDermid syndrome. Last evaluated: 2020-04-28. Review status: no assertion criteria provided. Collection method: clinical testing. Allele origin: de novo. Affected: yes. Not counted in ClinVar's aggregate classification.